The following is an entry in ClinVar:

ClinVar aggregate classification (germline): Likely benign (1 of 4 stars; one submission).

Allele frequency attached by ClinVar (database versions not stated): ExAC 0.00001; gnomAD 0.00003; TOPMed 0.00005; ESP Exome Variant Server 0.00019.

Submission:

CeGaT Center for Human Genetics Tuebingen
Classification: Likely benign. Last evaluated: 2023-03-01. Review status: criteria provided, single submitter. Criteria: CeGaT Center For Human Genetics Tuebingen Variant Classification Criteria Version 2. Collection method: clinical testing. Allele origin: germline. Affected: yes. Observed: 1 variant allele.
Comment: INTS6L: BS2

NM_001351601.3(INTS6L):c.827C>T (p.Pro276Leu)

Gene: INTS6L (integrator complex subunit 6 like; plus strand). Cytogenetic location: Xq26.3.
Variant type: single nucleotide variant.
Coding change: c.827C>T on transcript NM_001351601.3 (MANE Select); coding-DNA position 827, C replaced by T.
Protein change: p.Pro276Leu; replaces proline 276 with leucine.
Molecular consequence: missense variant. On other transcripts: non-coding transcript variant (1).
Genome position (GRCh38, 1-based): chrX:135,549,726, C>T. VCF-style: chrX-135549726-C-T. GRCh37 (hg19) VCF-style: chrX-134683651-C-T.
Other names: c.827C>T, p.Pro276Leu (NM_001351603.3, NM_001351604.3, NM_001351605.3 and 1 more transcripts); c.233C>T, p.Pro78Leu (NM_001351606.3); short protein forms P276L, P78L.
Identifiers: ClinVar variation 2661489 (VCV002661489.24), dbSNP rs142537346, ClinGen allele CA10523272.
Genomic context (GRCh38, chrX:135,549,726, plus strand): 5'-CAAGCAATTCATTTGCTGCTCAGCCATGGCATAGTTGTCATAAACTCATTTATGTACGAC[C>T]TAACTCTAAAACTGGTGTTCCTGTTGGACATTGGCCAATTCCAGAATCTTTTTGGCCAGA-3'
Protein context (NP_001338530.1, residues 266-286): HSCHKLIYVR[Pro276Leu]NSKTGVPVGH